The following is an entry in ClinVar:

ClinVar aggregate classification (germline): Likely pathogenic (1 of 4 stars; one submission).

Conditions:
Cataract 14 multiple types. Also called: CATARACT 14, ZONULAR PULVERULENT; CATARACT 14, NUCLEAR PULVERULENT; CATARACT 14, NUCLEAR PULVERULENT AND POSTERIOR POLAR; CATARACT 14, NUCLEAR CORALLIFORM; CATARACT 14, EMBRYONAL NUCLEAR; CATARACT 14, COPPOCK-LIKE. Identifiers: Orphanet 91492, MedGen C1866078, MONDO:0011162, OMIM 601885.

Submission:

Dept. Genetics and Cancer, Menzies Institute for Medical Research, University of Tasmania
Classification: Likely pathogenic for Cataract 14 multiple types. Last evaluated: 2023-01-21. Review status: criteria provided, single submitter. Criteria: ACMG Guidelines, 2015. Collection method: curation. Allele origin: germline. Affected: yes.
Comment: Variant identified and curated during a GJA3 specific review of the literature in relation to pediatric or congenital cataract. ACMG-AMP criteria applied: PVS1(Strong), PM2(Supporting), PP3. Original variant report: PMID:21866213. The cataract phenotype reported for this variant is: Punctate nuclear. Gene review and curation guidelines are outlined in: DOI 10.1080/17469899.2023.2160320

Literature cited by the submitters: PubMed 21866213.

NM_021954.4(GJA3):c.1143_1165del (p.Ser381fs)

Gene: GJA3 (gap junction protein alpha 3; minus strand). Cytogenetic location: 13q12.11.
Variant type: Deletion.
Coding change: c.1143_1165del on transcript NM_021954.4 (MANE Select); coding-DNA positions 1143 to 1165, 23 bases deleted (TCTGGAGGGGAGCGCCCTGGCAG).
Protein change: p.Ser381fs; shifts the reading frame from serine 381.
Molecular consequence: frameshift variant.
Genome position (GRCh38, 1-based): chr13:20,142,124-20,142,146, CTGCCAGGGCGCTCCCCTCCAGA deleted on the plus strand (TCTGGAGGGGAGCGCCCTGGCAG on the coding strand, the reverse complement: GJA3 is on the minus strand); deleting any 23 consecutive bases within chr13:20,142,124-20,142,150 gives the same sequence; the c. name uses the placement nearest the transcript's 3' end. VCF-style (leftmost placement, unchanged base first): chr13-20142123-CCTGCCAGGGCGCTCCCCTCCAGA-C. GRCh37 (hg19) VCF-style: chr13-20716262-CCTGCCAGGGCGCTCCCCTCCAGA-C.
Other names: c.1143_1165del23 (NM_021954.4); short protein forms S381fs.
Identifiers: ClinVar variation 3253699 (VCV003253699.1), dbSNP rs2500167535.